The following is an entry in ClinVar:

ClinVar aggregate classification (germline): Uncertain significance. Review status: criteria provided, multiple submitters, no conflicts (2 of 4 stars). 2 submissions from 2 submitters: Uncertain significance (2). Last evaluated 2026-01-15.

Conditions:
Cardiovascular phenotype. Identifiers: MedGen CN230736.
Distal myopathy with posterior leg and anterior hand involvement. Also called: WILLIAMS DISTAL MYOPATHY. Identifiers: Orphanet 63273, MedGen C3279722, MONDO:0013550, OMIM 614065.
Hypertrophic cardiomyopathy 26. Also called: Cardiomyopathy, familial hypertrophic, 26. Identifiers: Orphanet 75249, MedGen C4310749, MONDO:0014883, OMIM 617047.
Myofibrillar myopathy 5. Also called: FILAMINOPATHY, AUTOSOMAL DOMINANT; Filaminopathy (type). Identifiers: Orphanet 171445, MedGen C1836050, MONDO:0012289, OMIM 609524.

Submissions (2):

Labcorp Genetics (formerly Invitae), Labcorp
Classification: Uncertain significance for Distal myopathy with posterior leg and anterior hand involvement; Myofibrillar myopathy 5; Hypertrophic cardiomyopathy 26. Last evaluated: 2026-01-15. Review status: criteria provided, single submitter. Criteria: Invitae Variant Classification Sherloc (09022015). Collection method: clinical testing. Allele origin: germline.
Comment: This sequence change replaces threonine, which is neutral and polar, with lysine, which is basic and polar, at codon 302 of the FLNC protein (p.Thr302Lys). This variant is not present in population databases (gnomAD no frequency). This variant has not been reported in the literature in individuals affected with FLNC-related conditions. ClinVar contains an entry for this variant (Variation ID: 4025647). Invitae Evidence Modeling of protein sequence and biophysical properties (such as structural, functional, and spatial information, amino acid conservation, physicochemical variation, residue mobility, and thermodynamic stability) has been performed for this missense variant. However, the output from this modeling did not meet the statistical confidence thresholds required to predict the impact of this variant on FLNC protein function. In summary, the available evidence is currently insufficient to determine the role of this variant in disease. Therefore, it has been classified as a Variant of Uncertain Significance.

Ambry Genetics
Classification: Uncertain significance for Cardiovascular phenotype. Last evaluated: 2025-05-20. Review status: criteria provided, single submitter. Criteria: Ambry Variant Classification Scheme 2023. Collection method: clinical testing. Allele origin: germline.

NM_001458.5(FLNC):c.905C>A (p.Thr302Lys)

Gene: FLNC (filamin C; plus strand). Cytogenetic location: 7q32.1.
Variant type: single nucleotide variant.
Coding change: c.905C>A on transcript NM_001458.5 (MANE Select); coding-DNA position 905, C replaced by A.
Protein change: p.Thr302Lys; replaces threonine 302 with lysine.
Molecular consequence: missense variant.
Genome position (GRCh38, 1-based): chr7:128,837,691, C>A. VCF-style: chr7-128837691-C-A. GRCh37 (hg19) VCF-style: chr7-128477745-C-A.
Other names: c.905C>A, p.Thr302Lys (NM_001127487.2); short protein forms T302K.
Identifiers: ClinVar variation 4025647 (VCV004025647.2).